The following continues an entry in ClinVar:

NM_001395891.1(CLASP1):c.196-605C>T

ClinVar aggregate classification (germline): Pathogenic/Likely pathogenic. Pathogenic (22); Likely pathogenic (2).

Submissions 10 to 28 of 28:

Victorian Clinical Genetics Services, Murdoch Childrens Research Institute
Classification: Pathogenic for RNU4ATAC spectrum disorder. Last evaluated: 2025-08-08. Review status: criteria provided, single submitter. Criteria: ACMG Guidelines, 2015. Collection method: clinical testing. Allele origin: germline. Affected: yes.
Comment: This variant is classified as Pathogenic. Evidence in support of pathogenic classification: Non-coding variant with known effect. Functional assays demonstrate this variant results in defective U12-dependant splicing, with dramatically reduced activity of spliceosomal function compared to wild type (PMID: 21474760). - Variant is present in gnomAD <0.01 for a recessive condition (v4: 340 heterozygote(s), 0 homozygote(s)). - This variant has strong previous evidence of pathogenicity in unrelated individuals. This variant has been classified as pathogenic and likely pathogenic by multiple clinical laboratories in ClinVar; Variant is located in the well-established functional 5' stem-loop structure and is considered of major importance for splicing (PMID: 26522830). Additional information: This variant is heterozygous; This gene is associated with autosomal recessive disease; Alternative nucleotide change(s) at this nucleotide position are present in gnomAD (Highest allele count: v4: 1 heterozygote(s), 0 homozygote(s)). - Loss of function is a known mechanism of disease in this gene and is associated with RNU4ATAC spectrum disorder (MONDO:0100558). - Heterozygous variant detected in trans with a second PATHOGENIC heterozygous variant (NR_023343.1(RNU4ATAC):n.53C>T) in a recessive disease.

Institute of Human Genetics, University of Leipzig Medical Center
Classification: Pathogenic for Roifman syndrome. Last evaluated: 2025-03-04. Review status: criteria provided, single submitter. Criteria: ACMG Guidelines, 2015. Collection method: clinical testing. Allele origin: unknown. Inheritance: Autosomal recessive inheritance. Affected: yes.
Comment: Criteria applied: PM3_VSTR,PM2,PS3_SUP

3billion
Classification: Pathogenic for RNU4ATAC-related disorder. Last evaluated: 2025-02-17. Review status: criteria provided, single submitter. Criteria: ACMG Guidelines, 2015. Collection method: clinical testing. Allele origin: germline. Affected: yes.
Comment: The variant is observed at an extremely low frequency in the gnomAD v4.1.0 dataset (total allele frequency: 0.049%). Predicted Consequence/Location: non_coding_transcript_exon_variant Functional studies provide moderate evidence of the variant having a damaging effect on the gene or gene product (PMID: 21474760). The variant has been observed in multiple (>3) similarly affected unrelated individuals (PMID: 32628740). The variant has been reported at least twice as pathogenic with clinical assertions and evidence for the classification (ClinVar ID: VCV000030178 /PMID: 21474760). Therefore, this variant is classified as Pathogenic according to the recommendation of ACMG/AMP guideline.

Institute of Medical Genetics and Applied Genomics, University Hospital Tübingen
Classification: Pathogenic for Osteodysplastic primordial dwarfism, type 1. Last evaluated: 2024-11-19. Review status: criteria provided, single submitter. Criteria: ACMG Guidelines, 2015. Collection method: clinical testing. Allele origin: germline. Affected: yes.

Blueprint Genetics
Classification: Pathogenic for RNU4ATAC-related disorders. Last evaluated: 2024-11-12. Review status: criteria provided, single submitter. Criteria: ACMG Guidelines, 2015. Collection method: clinical testing. Allele origin: germline. Affected: yes. Observed: 5 variant alleles.

Department of Human Genetics, Hannover Medical School
Classification: Likely pathogenic for Roifman syndrome. Last evaluated: 2024-07-25. Review status: criteria provided, single submitter. Criteria: ACMG Guidelines, 2015. Collection method: clinical testing. Allele origin: germline. Inheritance: Autosomal recessive inheritance. Affected: yes.

Department of Pathology and Laboratory Medicine, Sinai Health System
Classification: Pathogenic for CLASP1-related disorder. Last evaluated: 2023-09-18. Review status: criteria provided, single submitter. Criteria: ACMG Guidelines, 2015. Collection method: research. Allele origin: germline.

Women's Health and Genetics/Laboratory Corporation of America, LabCorp
Classification: Pathogenic for Roifman syndrome. Last evaluated: 2023-05-09. Review status: criteria provided, single submitter. Criteria: LabCorp Variant Classification Summary - May 2015. Collection method: clinical testing. Allele origin: germline.
Comment: Variant summary: RNU4ATAC n.51G>A alters a nucleotide in the non-coding RNA. The variant allele was found at a frequency of 0.00043 in 130510 control chromosomes. n.51G>A has been reported in the literature in multiple individuals affected with Microcephalic osteodysplastic primordial dwarfism, type I or Roifman Syndrome. These data indicate that the variant is very likely to be associated with disease. At least one publication reports experimental evidence evaluating an impact on protein function. The most pronounced variant effect results in <10% of normal activity (He_2012). The following publications have been ascertained in the context of this evaluation (PMID: 21474760, 26522830). Seven clinical diagnostic laboratories have submitted clinical-significance assessments for this variant to ClinVar after 2014 without evidence for independent evaluation. All laboratories classified the variant as pathogenic/likely pathogenic. Based on the evidence outlined above, the variant was classified as pathogenic.

Institute for Clinical Genetics, University Hospital TU Dresden, University Hospital TU Dresden
Classification: Pathogenic. Last evaluated: 2023-04-19. Review status: criteria provided, single submitter. Criteria: ACMG Guidelines, 2015. Collection method: clinical testing. Allele origin: maternal.
Comment: PS4_MOD, PP1, PS3, PM3

New York Genome Center
Classification: Pathogenic for Osteodysplastic primordial dwarfism, type 1; Roifman syndrome; Lowry-Wood syndrome. Last evaluated: 2022-12-12. Review status: criteria provided, single submitter. Criteria: NYGC Assertion Criteria 2020. Collection method: clinical testing. Allele origin: inherited. Affected: yes. Observed: 1 variant allele, 1 compound heterozygote.
Comment: The n.51G>A variant in RNU4ATAC has previously been reported in an homozygous or compound heterozygous state in over 20 individuals with RNU4ATAC-related phenotypes [PMID: 21474760, 21474761, 23794361, 26522830, 27312855, 27040866, 29265708, 29370840, 32595695, 34539730] and it has been deposited in ClinVar [ClinVar ID: 30178]. The n.51G>A variant is observed in 233 alleles (~0.05% minor allele frequency with 0 homozygotes) in population databases (gnomAD v2.1.1 and v3.1.2, TOPMed Freeze 8), suggesting it is not a common benign variant in the populations represented in those databases. The n.51G>A variant in RNU4ATAC falls in the 5' Stem Loop of this noncoding RNA and was demonstrated to result in splicing defects and expression level changes in the target genes [PMID: 21474760, 21474761]. Based on available evidence this inherited n.51G>A variant identified in RNU4ATAC is classified as Pathogenic.

Fulgent Genetics
Classification: Pathogenic for Osteodysplastic primordial dwarfism, type 1; Lowry-Wood syndrome; Roifman syndrome. Last evaluated: 2022-02-27. Review status: criteria provided, single submitter. Criteria: ACMG Guidelines, 2015. Collection method: clinical testing. Allele origin: unknown.

Genetic Services Laboratory, University of Chicago
Classification: Pathogenic. Last evaluated: 2021-06-25. Review status: criteria provided, single submitter. Criteria: ACMG Guidelines, 2015. Collection method: clinical testing. Allele origin: germline. Affected: yes.
Comment: The non-coding variant, n.51G>A, has been described in gnomAD with an allele frequency of 0.054% in the South Asian sub-population (dbSNP rsrs181195449). This sequence change is located in the 5' stem loop critical region. The n.51G>A is a known pathogenic sequence change and has been reported in multiple cases with microcephalic osteodysplastic primordial dwarfism either in the homozygous or compound heterozygous state (PMIDs: 21474760, 23794361, 32628740, 29265708, 27312855, 26522830). Functional studies have also demonstrated that this sequence change reduced U12-dependent splicing activity by 90% compared to wildtype (PMID:21474760). Based on this information this variant is being classified as pathogenic.

Beijing Key Laboratry for Genetics of Birth Defects, Beijing Children's Hospital
Classification: Likely pathogenic for Roifman syndrome. Last evaluated: 2020-02-28. Review status: criteria provided, single submitter. Criteria: ACMG Guidelines, 2015. Collection method: clinical testing. Allele origin: germline. Affected: yes. Observed: 1 variant allele.

Department of Medical Genetics, Sanjay Gandhi Post Graduate Institute of Medical Sciences
Classification: Pathogenic for Osteodysplastic primordial dwarfism, type 1. Review status: criteria provided, single submitter. Criteria: ACMG Guidelines, 2015. Collection method: research. Allele origin: germline. Inheritance: Autosomal recessive inheritance. Affected: yes. Observed: 1 compound heterozygote.

Juno Genomics, Hangzhou Juno Genomics, Inc
Classification: Pathogenic for Lowry-Wood syndrome; Osteodysplastic primordial dwarfism, type 1; Roifman syndrome. Review status: criteria provided, single submitter. Criteria: ACMG Guidelines, 2015. Collection method: clinical testing. Allele origin: germline. Affected: yes.
Comment: Absent from controls (or at extremely low frequency if recessive) in Genome Aggregation Database, Exome Sequencing Project, 1000 Genomes Project, or Exome Aggregation Consortium.;For recessive disorders, detected in trans with a pathogenic variant.;Patient's phenotype or family history is highly specific for a disease with a single genetic etiology.;Well-established in vitro or in vivo functional studies supportive of a damaging effect on the gene or gene product.

OMIM
Classification: Pathogenic for MICROCEPHALIC OSTEODYSPLASTIC PRIMORDIAL DWARFISM, TYPE I. Last evaluated: 2015-11-02. Review status: no assertion criteria provided. Collection method: literature only. Allele origin: germline. Not counted in ClinVar's aggregate classification.

OMIM
Classification: Pathogenic for ROIFMAN SYNDROME. Last evaluated: 2015-11-02. Review status: no assertion criteria provided. Collection method: literature only. Allele origin: germline. Not counted in ClinVar's aggregate classification.

OMIM
Classification: Pathogenic for LOWRY-WOOD SYNDROME. Last evaluated: 2015-11-02. Review status: no assertion criteria provided. Collection method: literature only. Allele origin: germline. Not counted in ClinVar's aggregate classification.

Service de Génétique Moléculaire, Hôpital Robert Debré
Classification: Pathogenic for Osteodysplastic primordial dwarfism, type 1. Review status: no assertion criteria provided. Collection method: clinical testing. Allele origin: unknown. Affected: yes. Not counted in ClinVar's aggregate classification.

Literature cited by the submitters: PubMed 21474760 (cited by 8 submitters); PubMed 26522830 (cited by 7 submitters); PubMed 32628740 (cited by 5 submitters); PubMed 30368667 (cited by Labcorp Genetics (formerly Invitae), Labcorp); PubMed 34539730 (cited by Variantyx, Inc. and New York Genome Center); PubMed 32595695 (cited by Variantyx, Inc. and New York Genome Center); PubMed 29370840 (cited by Variantyx, Inc. and New York Genome Center); PubMed 29265708 (cited by 4 submitters); PubMed 27312855 (cited by 3 submitters); PubMed 27040866 (cited by Variantyx, Inc. and New York Genome Center); PubMed 23794361 (cited by 3 submitters); PubMed 21474761 (cited by New York Genome Center and OMIM); PubMed 21977988 (cited by OMIM).